The following is an entry in ClinVar:

ClinVar aggregate classification (germline): Pathogenic/Likely pathogenic. Review status: criteria provided, multiple submitters, no conflicts (2 of 4 stars). 6 submissions from 6 submitters: Pathogenic (3); Likely pathogenic (2). 1 of the submissions does not count toward it. Last evaluated 2025-11-06.

Conditions:
Oculocutaneous albinism. Identifiers: Orphanet 55, MedGen C0078918, MONDO:0018910.
SKIN/HAIR/EYE PIGMENTATION 1, BLUE/NONBLUE EYES (SHEP1). Also called: EYE COLOR 3; EYE COLOR, BLUE/NONBLUE; EYE COLOR, BROWN/BLUE; HAIR COLOR 3; BROWN EYE COLOR 2; SKIN/HAIR/EYE PIGMENTATION 1, BLOND/BROWN HAIR. Identifiers: MedGen C1856895, OMIM 227220.
Tyrosinase-positive oculocutaneous albinism (OCA2). Also called: Albinism, oculocutaneous, type II; ALBINISM II; Oculocutaneous albinism type 2. Identifiers: Orphanet 79432, MedGen C0268495, MONDO:0008746, OMIM 203200.

Allele frequency attached by ClinVar (database versions not stated): gnomAD 0.00001; TOPMed 0.00002.
gnomAD v4.1: 6 of 1,607,476 alleles (0.00037%); highest among the groups gnomAD compares: Non-Finnish European, 0.00051%; no homozygotes.

Submissions (6):

Labcorp Genetics (formerly Invitae), Labcorp
Classification: Pathogenic. Last evaluated: 2025-11-06. Review status: criteria provided, single submitter. Criteria: Invitae Variant Classification Sherloc (09022015). Collection method: clinical testing. Allele origin: germline.
Comment: This sequence change affects a donor splice site in intron 17 of the OCA2 gene. It is expected to disrupt RNA splicing. Variants that disrupt the donor or acceptor splice site typically lead to a loss of protein function (PMID: 16199547), and loss-of-function variants in OCA2 are known to be pathogenic (PMID: 19865097, 21541274). This variant is not present in population databases (gnomAD no frequency). Disruption of this splice site has been observed in individuals with clinical features of oculocutaneous albinism and/or oculocutaneous albinism (PMID: 8302318, 28451379; internal data). ClinVar contains an entry for this variant (Variation ID: 953). Algorithms developed to predict the effect of sequence changes on RNA splicing suggest that this variant may disrupt the consensus splice site. For these reasons, this variant has been classified as Pathogenic.

GeneDx
Classification: Pathogenic. Last evaluated: 2024-12-10. Review status: criteria provided, single submitter. Criteria: GeneDx Variant Classification Process June 2021. Collection method: clinical testing. Allele origin: germline. Affected: yes.
Comment: Canonical splice site variant predicted to result in a null allele in a gene for which loss of function is a known mechanism of disease; Not observed at significant frequency in large population cohorts (gnomAD); This variant is associated with the following publications: (PMID: 25525159, 18463683, 27468418, 8302318, 28451379)

Greenwood Genetic Center Diagnostic Laboratories, Greenwood Genetic Center
Classification: Pathogenic for Tyrosinase-positive oculocutaneous albinism. Last evaluated: 2024-08-29. Review status: criteria provided, single submitter. Criteria: ACMG Guidelines, 2015. Collection method: clinical testing. Allele origin: germline. Affected: yes.
Comment: PVS1, PM2, PM3_Supporting

Baylor Genetics
Classification: Likely pathogenic for SKIN/HAIR/EYE PIGMENTATION 1, BLUE/NONBLUE EYES. Last evaluated: 2023-12-18. Review status: criteria provided, single submitter. Criteria: ACMG Guidelines, 2015. Collection method: clinical testing. Allele origin: unknown.

Women's Health and Genetics/Laboratory Corporation of America, LabCorp
Classification: Likely pathogenic for Oculocutaneous albinism. Last evaluated: 2023-07-31. Review status: criteria provided, single submitter. Criteria: LabCorp Variant Classification Summary - May 2015. Collection method: clinical testing. Allele origin: germline.
Comment: Variant summary: OCA2 c.1842+1G>T is located in a canonical splice-site and is predicted to affect mRNA splicing resulting in a significantly altered protein due to either exon skipping, shortening, or inclusion of intronic material. Computational tools predict a significant impact on normal splicing: Four predict the variant abolishes a canonical 5' splicing donor site. However, these predictions have yet to be confirmed by functional studies. The variant allele was found at a frequency of 3.2e-05 in 31404 control chromosomes (gnomAD). c.1842+1G>T has been reported in the literature as a compound heterozygous genotype in at least two individuals affected with Oculocutaneous Albinism (e.g. Lee_1994, Gao_2017). These data indicate that the variant may be associated with disease. To our knowledge, no experimental evidence demonstrating an impact on protein function has been reported. The following publications have been ascertained in the context of this evaluation (PMID: 28451379, 18463683, 8302318). Two submitters have cited clinical-significance assessments for this variant to ClinVar after 2014 and classified the variant as pathogenic. Based on the evidence outlined above, the variant was classified as likely pathogenic.

OMIM
Classification: Pathogenic for ALBINISM, OCULOCUTANEOUS, TYPE II. Last evaluated: 1994-02-24. Review status: no assertion criteria provided. Collection method: literature only. Allele origin: germline. Not counted in ClinVar's aggregate classification.

Literature cited by the submitters: PubMed 16199547 (cited by Labcorp Genetics (formerly Invitae), Labcorp); PubMed 19865097 (cited by Labcorp Genetics (formerly Invitae), Labcorp); PubMed 21541274 (cited by Labcorp Genetics (formerly Invitae), Labcorp); PubMed 8302318 (cited by 3 submitters); PubMed 28451379 (cited by Labcorp Genetics (formerly Invitae), Labcorp and Women's Health and Genetics/Laboratory Corporation of America, LabCorp); PubMed 18463683 (cited by Women's Health and Genetics/Laboratory Corporation of America, LabCorp).

NM_000275.3(OCA2):c.1842+1G>T

Gene: OCA2 (OCA2 melanosomal transmembrane protein; minus strand). Cytogenetic location: 15q13.1.
Variant type: single nucleotide variant.
Coding change: c.1842+1G>T on transcript NM_000275.3 (MANE Select); the canonical splice donor site of the intron after coding-DNA position 1842, G replaced by T.
Molecular consequence: splice donor variant.
Genome position (GRCh38, 1-based): chr15:27,955,157, C>A on the plus strand (G>T on the coding strand, the complement: OCA2 is on the minus strand). VCF-style: chr15-27955157-C-A. GRCh37 (hg19) VCF-style: chr15-28200303-C-A.
Other names: IVS17DS, G-T, +1; c.1770+1G>T (NM_001300984.2).
Identifiers: ClinVar variation 953 (VCV000000953.12), dbSNP rs387906240, ClinGen allele CA251632.